The following is an entry in ClinVar:

ClinVar aggregate classification (germline): Uncertain significance (1 of 4 stars; one submission).

Submission:

GeneDx
Classification: Uncertain significance. Last evaluated: 2025-05-21. Review status: criteria provided, single submitter. Criteria: GeneDx Variant Classification Process June 2021. Collection method: clinical testing. Allele origin: germline. Affected: yes.
Comment: Not observed at significant frequency in large population cohorts (gnomAD); In silico analysis suggests that this missense variant does not alter protein structure/function; Has not been previously published as pathogenic or benign to our knowledge

NM_015465.5(GEMIN5):c.2177G>T (p.Ser726Ile)

Gene: GEMIN5 (gem nuclear organelle associated protein 5; minus strand). Cytogenetic location: 5q33.2.
Variant type: single nucleotide variant.
Coding change: c.2177G>T on transcript NM_015465.5 (MANE Select); coding-DNA position 2177, G replaced by T.
Protein change: p.Ser726Ile; replaces serine 726 with isoleucine.
Molecular consequence: missense variant.
Genome position (GRCh38, 1-based): chr5:154,907,809, C>A on the plus strand (G>T on the coding strand, the complement: GEMIN5 is on the minus strand). VCF-style: chr5-154907809-C-A. GRCh37 (hg19) VCF-style: chr5-154287369-C-A.
Other names: c.2174G>T, p.Ser725Ile (NM_001252156.2); short protein forms S725I, S726I.
Identifiers: ClinVar variation 4530921 (VCV004530921.1).